The following is an entry in ClinVar:

ClinVar aggregate classification (germline): Uncertain significance (1 of 4 stars; one submission).

Allele frequency attached by ClinVar (database versions not stated): gnomAD exomes 0.00004; ExAC 0.00007.
gnomAD v4.1: 53 of 1,613,346 alleles (0.0033%); highest among the groups gnomAD compares: South Asian, 0.018%; no homozygotes.

Submission:

Labcorp Genetics (formerly Invitae), Labcorp
Classification: Uncertain significance. Last evaluated: 2023-08-24. Review status: criteria provided, single submitter. Criteria: Invitae Variant Classification Sherloc (09022015). Collection method: clinical testing. Allele origin: germline.
Comment: This sequence change replaces cysteine, which is neutral and slightly polar, with arginine, which is basic and polar, at codon 405 of the SPART protein (p.Cys405Arg). In summary, the available evidence is currently insufficient to determine the role of this variant in disease. Therefore, it has been classified as a Variant of Uncertain Significance. Advanced modeling of protein sequence and biophysical properties (such as structural, functional, and spatial information, amino acid conservation, physicochemical variation, residue mobility, and thermodynamic stability) performed at Invitae indicates that this missense variant is not expected to disrupt SPART protein function. ClinVar contains an entry for this variant (Variation ID: 1501010). This variant has not been reported in the literature in individuals affected with SPART-related conditions. This variant is present in population databases (rs748804234, gnomAD 0.01%).

NM_015087.5(SPART):c.1213T>C (p.Cys405Arg)

Gene: SPART (spartin; minus strand). Cytogenetic location: 13q13.3.
Variant type: single nucleotide variant.
Coding change: c.1213T>C on transcript NM_015087.5 (MANE Select); coding-DNA position 1213, T replaced by C.
Protein change: p.Cys405Arg; replaces cysteine 405 with arginine.
Molecular consequence: missense variant.
Genome position (GRCh38, 1-based): chr13:36,326,650, A>G on the plus strand (T>C on the coding strand, the complement: SPART is on the minus strand). VCF-style: chr13-36326650-A-G. GRCh37 (hg19) VCF-style: chr13-36900787-A-G.
Other names: c.1213T>C, p.Cys405Arg (NM_001142294.2, NM_001142295.2, NM_001142296.2); short protein forms C405R.
Identifiers: ClinVar variation 1501010 (VCV001501010.8), dbSNP rs748804234, ClinGen allele CA6949458.